The following is an entry in ClinVar:

ClinVar aggregate classification (germline): Uncertain significance. Review status: criteria provided, multiple submitters, no conflicts (2 of 4 stars). 2 submissions from 2 submitters: Uncertain significance (2). Last evaluated 2024-12-16.

gnomAD v4.1: 5 of 1,613,558 alleles (0.00031%); highest among the groups gnomAD compares: Middle Eastern, 0.016%; no homozygotes.

Submissions (2):

Ambry Genetics
Classification: Uncertain significance. Last evaluated: 2024-12-16. Review status: criteria provided, single submitter. Criteria: Ambry Variant Classification Scheme 2023. Collection method: clinical testing. Allele origin: germline.
Comment: The p.I845V variant (also known as c.2533A>G), located in coding exon 13 of the GEN1 gene, results from an A to G substitution at nucleotide position 2533. The isoleucine at codon 845 is replaced by valine, an amino acid with highly similar properties. This amino acid position is conserved. In addition, this alteration is predicted to be tolerated by in silico analysis. Based on the available evidence, the clinical significance of this variant remains unclear.

Labcorp Genetics (formerly Invitae), Labcorp
Classification: Uncertain significance. Last evaluated: 2024-06-11. Review status: criteria provided, single submitter. Criteria: Invitae Variant Classification Sherloc (09022015). Collection method: clinical testing. Allele origin: germline.
Comment: This sequence change replaces isoleucine, which is neutral and non-polar, with valine, which is neutral and non-polar, at codon 845 of the GEN1 protein (p.Ile845Val). This variant is present in population databases (no rsID available, gnomAD 0.0009%). This variant has not been reported in the literature in individuals affected with GEN1-related conditions. Algorithms developed to predict the effect of missense changes on protein structure and function output the following: SIFT: "Not Available"; PolyPhen-2: "Benign"; Align-GVGD: "Not Available". The valine amino acid residue is found in multiple mammalian species, which suggests that this missense change does not adversely affect protein function. In summary, the available evidence is currently insufficient to determine the role of this variant in disease. Therefore, it has been classified as a Variant of Uncertain Significance.

NM_001130009.3(GEN1):c.2533A>G (p.Ile845Val)

Gene: GEN1 (GEN1 structure-specific endonuclease; plus strand). Cytogenetic location: 2p24.2.
Variant type: single nucleotide variant.
Coding change: c.2533A>G on transcript NM_001130009.3 (MANE Select); coding-DNA position 2533, A replaced by G.
Protein change: p.Ile845Val; replaces isoleucine 845 with valine.
Molecular consequence: missense variant.
Genome position (GRCh38, 1-based): chr2:17,781,745, A>G. VCF-style: chr2-17781745-A-G. GRCh37 (hg19) VCF-style: chr2-17963012-A-G.
Other names: c.2533A>G, p.Ile845Val (NM_182625.5); c.2533A>G (NM_001130009.1); short protein forms I845V.
Identifiers: ClinVar variation 3611375 (VCV003611375.3).